The following is an entry in ClinVar:

ClinVar aggregate classification (germline): Pathogenic. Review status: criteria provided, single submitter (1 of 4 stars). 2 submissions from 2 submitters: Pathogenic (1). 1 of the submissions does not count toward it. Last evaluated 2022-12-01.

Conditions:
Juvenile arthritis due to defect in LACC1. Also called: Juvenile arthritis. Identifiers: MedGen CN263340, MONDO:0032920, OMIM 618795.

Submissions (2):

CeGaT Center for Human Genetics Tuebingen
Classification: Pathogenic. Last evaluated: 2022-12-01. Review status: criteria provided, single submitter. Criteria: CeGaT Center For Human Genetics Tuebingen Variant Classification Criteria Version 2. Collection method: clinical testing. Allele origin: germline. Affected: yes. Observed: 1 variant allele.
Comment: LACC1: PVS1:Strong, PM2, PM3, PP4, PS3:Supporting

OMIM
Classification: Pathogenic for JUVENILE ARTHRITIS. Last evaluated: 2020-02-28. Review status: no assertion criteria provided. Collection method: literature only. Allele origin: germline. Not counted in ClinVar's aggregate classification.

Literature cited by the submitters: PubMed 27881174 (cited by OMIM).

NM_153218.4(LACC1):c.827del (p.Thr276fs)

Gene: LACC1 (laccase domain multifunctional purine nucleosidase 1; plus strand). Cytogenetic location: 13q14.11.
Variant type: Deletion.
Coding change: c.827del on transcript NM_153218.4 (MANE Select); coding-DNA position 827, one base deleted (C; older notation c.827delC).
Protein change: p.Thr276fs; shifts the reading frame from threonine 276.
Molecular consequence: frameshift variant.
Genome position (GRCh38, 1-based): chr13:43,883,856, C deleted. VCF-style (leftmost placement, unchanged base first): chr13-43883855-AC-A. GRCh37 (hg19) VCF-style: chr13-44457991-AC-A.
Other names: c.827del, p.Thr276fs (NM_001128303.2, NM_001350638.2, NM_001350639.2 and 4 more transcripts); c.59del, p.Thr20fs (NM_001350644.2, NM_001350645.2, NM_001350646.2 and 2 more transcripts); short protein forms T20fs, T276fs.
Identifiers: ClinVar variation 814022 (VCV000814022.30), dbSNP rs1594890601, ClinGen allele CA915948551.